The following is an entry in ClinVar:

ClinVar aggregate classification (germline): Likely pathogenic (1 of 4 stars; one submission).

Conditions:
Congenital myasthenic syndrome (CMS). Also called: Congenital Myasthenic Syndromes. Identifiers: Orphanet 590, MedGen C0751882, MeSH D020294, MONDO:0018940.

Submission:

Natera, Inc.
Classification: Likely pathogenic for Congenital myasthenic syndrome. Last evaluated: 2025-04-13. Review status: criteria provided, single submitter. Criteria: Natera Variant Classification Schema (03/2026). Collection method: clinical testing. Allele origin: germline.
Comment: The c.513C>G variant in CHRNE is a nonsense variant predicted to introduce a stop codon at amino acid 171. This variant is expected to result in nonsense mediated decay, truncation, or a dysfunctional protein product. This variant is rare in the general population with a frequency below the threshold expected for the associated phenotype(s). Given the available evidence, this variant is classified as Likely Pathogenic.

NM_000080.4(CHRNE):c.513C>G (p.Tyr171Ter)

Genes: C17orf107 (chromosome 17 open reading frame 107; plus strand), CHRNE (cholinergic receptor nicotinic epsilon subunit; minus strand). Cytogenetic location: 17p13.2.
Variant type: single nucleotide variant.
Coding change: c.513C>G on transcript NM_000080.4 (MANE Select); coding-DNA position 513, C replaced by G.
Protein change: p.Tyr171Ter; replaces tyrosine 171 with a stop codon.
Molecular consequence: nonsense. On other transcripts: 3 prime UTR variant (1).
Genome position (GRCh38, 1-based): chr17:4,901,613, G>C on the plus strand (C>G on the coding strand, the complement: CHRNE is on the minus strand). VCF-style: chr17-4901613-G-C. GRCh37 (hg19) VCF-style: chr17-4804908-G-C.
Other names: c.*1080G>C (NM_001145536.2); short protein forms Y171*.
Identifiers: ClinVar variation 4064705 (VCV004064705.2).